The following is an entry in ClinVar:

NM_002528.7(NTHL1):c.370G>C (p.Val124Leu)

Gene: NTHL1 (nth like DNA glycosylase 1; minus strand). Cytogenetic location: 16p13.3.
Variant type: single nucleotide variant.
Coding change: c.370G>C on transcript NM_002528.7 (MANE Select); coding-DNA position 370, G replaced by C.
Protein change: p.Val124Leu; replaces valine 124 with leucine.
Molecular consequence: missense variant. On other transcripts: intron variant (1).
Genome position (GRCh38, 1-based): chr16:2,044,785, C>G on the plus strand (G>C on the coding strand, the complement: NTHL1 is on the minus strand). VCF-style: chr16-2044785-C-G. GRCh37 (hg19) VCF-style: chr16-2094786-C-G.
Other names: c.355-1059G>C (NM_001318193.2); c.40G>C, p.Val14Leu (NM_001318194.2); short protein forms V14L, V124L.
Identifiers: ClinVar variation 2451097 (VCV002451097.3), dbSNP rs1271178921, ClinGen allele CA394294736.

ClinVar aggregate classification (germline): Uncertain significance (1 of 4 stars; one submission).

Conditions:
Hereditary cancer-predisposing syndrome. Also called: Neoplastic Syndromes, Hereditary; Tumor predisposition; Hereditary neoplastic syndrome; Hereditary Cancer Syndrome. Identifiers: Orphanet 140162, MedGen C0027672, MeSH D009386, MONDO:0015356.

Allele frequency attached by ClinVar (database versions not stated): gnomAD 0.00001.
gnomAD v4.1: 2 of 1,608,292 alleles (0.00012%); highest among the groups gnomAD compares: East Asian, 0.0022%; no homozygotes.

Submission:

Ambry Genetics
Classification: Uncertain significance for Hereditary cancer-predisposing syndrome. Last evaluated: 2025-11-26. Review status: criteria provided, single submitter. Criteria: Ambry Variant Classification Scheme 2023. Collection method: clinical testing. Allele origin: germline.
Comment: The p.V132L variant (also known as c.394G>C), located in coding exon 3 of the NTHL1 gene, results from a G to C substitution at nucleotide position 394. The valine at codon 132 is replaced by leucine, an amino acid with highly similar properties. This amino acid position is conserved. In addition, the in silico prediction for this alteration is inconclusive. Since supporting evidence is limited at this time, the clinical significance of this alteration remains unclear.